The following is an entry in ClinVar:

NM_001162501.2(TNRC6B):c.2042G>T (p.Gly681Val)

Gene: TNRC6B (trinucleotide repeat containing adaptor 6B; plus strand). Cytogenetic location: 22q13.1.
Variant type: single nucleotide variant.
Coding change: c.2042G>T on transcript NM_001162501.2 (MANE Select); coding-DNA position 2042, G replaced by T.
Protein change: p.Gly681Val; replaces glycine 681 with valine.
Molecular consequence: missense variant. On other transcripts: intron variant (1).
Genome position (GRCh38, 1-based): chr22:40,266,272, G>T. VCF-style: chr22-40266272-G-T. GRCh37 (hg19) VCF-style: chr22-40662276-G-T.
Other names: c.2042G>T, p.Gly681Val (NM_015088.3); c.566-3850G>T (NM_001024843.2); short protein forms G681V.
Identifiers: ClinVar variation 4849092 (VCV004849092.1).

ClinVar aggregate classification (germline): Uncertain significance (1 of 4 stars; one submission).

gnomAD v4.1: 18 of 1,593,036 alleles (0.0011%); highest among the groups gnomAD compares: Non-Finnish European, 0.0015%; no homozygotes.

Submission:

Women's Health and Genetics/Laboratory Corporation of America, LabCorp
Classification: Uncertain significance. Last evaluated: 2026-04-24. Review status: criteria provided, single submitter. Criteria: LabCorp Variant Classification Summary - May 2015. Collection method: clinical testing. Allele origin: germline.
Comment: Variant summary: TNRC6B c.2042G>T (p.Gly681Val) results in a non-conservative amino acid change in the encoded protein sequence. Algorithms developed to predict the effect of missense changes on protein structure and function are either unavailable or do not agree on the potential impact of this missense change. The frequency data for this variant in gnomAD is considered unreliable, as metrics indicate poor data quality at this position. To our knowledge, no occurrence of c.2042G>T in individuals affected with TNRC6B-related conditions and no experimental evidence demonstrating its impact on protein function have been reported. No submitters have cited clinical-significance assessments for this variant to ClinVar. Based on the evidence outlined above, the variant was classified as uncertain significance.